The following is an entry in ClinVar:

NM_002485.5(NBN):c.380C>T (p.Ala127Val)

Gene: NBN (nibrin; minus strand). Cytogenetic location: 8q21.3.
Variant type: single nucleotide variant.
Coding change: c.380C>T on transcript NM_002485.5 (MANE Select); coding-DNA position 380, C replaced by T.
Protein change: p.Ala127Val; replaces alanine 127 with valine.
Molecular consequence: missense variant.
Genome position (GRCh38, 1-based): chr8:89,980,834, G>A on the plus strand (C>T on the coding strand, the complement: NBN is on the minus strand). VCF-style: chr8-89980834-G-A. GRCh37 (hg19) VCF-style: chr8-90993062-G-A.
Other names: c.134C>T, p.Ala45Val (NM_001024688.3); short protein forms A127V, A45V.
Identifiers: ClinVar variation 1735137 (VCV001735137.2), dbSNP rs1554567966, ClinGen allele CA371661999.

ClinVar aggregate classification (germline): Uncertain significance (1 of 4 stars; one submission).

Conditions:
Hereditary cancer-predisposing syndrome. Also called: Neoplastic Syndromes, Hereditary; Tumor predisposition; Hereditary Cancer Syndrome; Hereditary neoplastic syndrome. Identifiers: Orphanet 140162, MedGen C0027672, MeSH D009386, MONDO:0015356.

Submission:

Ambry Genetics
Classification: Uncertain significance for Hereditary cancer-predisposing syndrome. Last evaluated: 2020-02-26. Review status: criteria provided, single submitter. Criteria: Ambry Variant Classification Scheme 2023. Collection method: clinical testing. Allele origin: germline.
Comment: The p.A127V variant (also known as c.380C>T), located in coding exon 4 of the NBN gene, results from a C to T substitution at nucleotide position 380. The alanine at codon 127 is replaced by valine, an amino acid with similar properties. This amino acid position is not well conserved in available vertebrate species. In addition, this alteration is predicted to be tolerated by in silico analysis. Since supporting evidence is limited at this time, the clinical significance of this alteration remains unclear.